The following is an entry in ClinVar:

NM_004304.5(ALK):c.3007A>C (p.Lys1003Gln)

Gene: ALK (ALK receptor tyrosine kinase; minus strand). Cytogenetic location: 2p23.2.
Variant type: single nucleotide variant.
Coding change: c.3007A>C on transcript NM_004304.5 (MANE Select); coding-DNA position 3007, A replaced by C.
Protein change: p.Lys1003Gln; replaces lysine 1003 with glutamine.
Molecular consequence: missense variant.
Genome position (GRCh38, 1-based): chr2:29,226,982, T>G on the plus strand (A>C on the coding strand, the complement: ALK is on the minus strand). VCF-style: chr2-29226982-T-G. GRCh37 (hg19) VCF-style: chr2-29449848-T-G.
Other names: short protein forms K1003Q.
Identifiers: ClinVar variation 1983744 (VCV001983744.4), dbSNP rs775351719, ClinGen allele CA346467655.

ClinVar aggregate classification (germline): Uncertain significance (1 of 4 stars; one submission).

Conditions:
Neuroblastoma, susceptibility to, 3. Also called: ALK-Related Neuroblastic Tumor Susceptibility. Identifiers: Orphanet 635, MedGen C2751681, MONDO:0013083, OMIM 613014.

Submission:

Labcorp Genetics (formerly Invitae), Labcorp
Classification: Uncertain significance for Neuroblastoma, susceptibility to, 3. Last evaluated: 2022-08-10. Review status: criteria provided, single submitter. Criteria: Invitae Variant Classification Sherloc (09022015). Collection method: clinical testing. Allele origin: germline.
Comment: In summary, the available evidence is currently insufficient to determine the role of this variant in disease. Therefore, it has been classified as a Variant of Uncertain Significance. Algorithms developed to predict the effect of missense changes on protein structure and function output the following: SIFT: "Deleterious"; PolyPhen-2: "Benign"; Align-GVGD: "Class C45". The glutamine amino acid residue is found in multiple mammalian species, which suggests that this missense change does not adversely affect protein function. This variant has not been reported in the literature in individuals affected with ALK-related conditions. This variant is not present in population databases (gnomAD no frequency). This sequence change replaces lysine, which is basic and polar, with glutamine, which is neutral and polar, at codon 1003 of the ALK protein (p.Lys1003Gln).